The following is an entry in ClinVar:

ClinVar aggregate classification (germline): Conflicting classifications of pathogenicity. Review status: criteria provided, conflicting classifications (1 of 4 stars). 10 submissions from 8 submitters: Uncertain significance (8); Likely benign (1). 1 of the submissions does not count toward it. Last evaluated 2026-01-22.

Conditions:
Neuromuscular disease caused by qualitative or quantitative defects of dysferlin. Also called: Dysferlinopathy; Qualitative or quantitative defects of dysferlin. Identifiers: Orphanet 207073, MedGen C2931687, MONDO:0016145.
Autosomal recessive limb-girdle muscular dystrophy type 2B (LGMDR2). Also called: MUSCULAR DYSTROPHY, LIMB-GIRDLE, TYPE 3; Limb-girdle muscular dystrophy, type 2B; MUSCULAR DYSTROPHY, LIMB-GIRDLE, AUTOSOMAL RECESSIVE 2; Limb-Girdle Muscular Dystrophy Type 2B (LGMD2B). Identifiers: Orphanet 268, MedGen C1850889, MONDO:0009676, OMIM 253601.
Miyoshi muscular dystrophy 1 (MMD1). Identifiers: Orphanet 45448, MedGen C4551973, MONDO:0024545, OMIM 254130.
Distal myopathy with anterior tibial onset. Identifiers: Orphanet 178400, MedGen C1847532, MONDO:0011721, OMIM 606768.

Allele frequency attached by ClinVar (database versions not stated): ESP Exome Variant Server 0.00008; TOPMed 0.00012; 1000 Genomes Project 0.00020; gnomAD 0.00020 and 0.00022; ExAC 0.00025; 1000 Genomes Project 30x 0.00031.
gnomAD v4.1: 385 of 1,613,990 alleles (0.024%); highest among the groups gnomAD compares: Middle Eastern, 0.13%; 1 homozygote.

Submissions (10):

Labcorp Genetics (formerly Invitae), Labcorp
Classification: Likely benign for Neuromuscular disease caused by qualitative or quantitative defects of dysferlin. Last evaluated: 2026-01-22. Review status: criteria provided, single submitter. Criteria: Invitae Variant Classification Sherloc (09022015). Collection method: clinical testing. Allele origin: germline.

Revvity Omics, Revvity
Classification: Uncertain significance. Last evaluated: 2024-07-17. Review status: criteria provided, single submitter. Criteria: ACMG Guidelines, 2015. Collection method: clinical testing. Allele origin: germline.

Genome-Nilou Lab
Classification: Uncertain significance for Miyoshi muscular dystrophy 1. Last evaluated: 2021-07-14. Review status: criteria provided, single submitter. Criteria: ACMG Guidelines, 2015. Collection method: clinical testing. Allele origin: germline. Affected: no.

Genome-Nilou Lab
Classification: Uncertain significance for Autosomal recessive limb-girdle muscular dystrophy type 2B. Last evaluated: 2021-07-14. Review status: criteria provided, single submitter. Criteria: ACMG Guidelines, 2015. Collection method: clinical testing. Allele origin: germline. Affected: no.

Genome-Nilou Lab
Classification: Uncertain significance for Distal myopathy with anterior tibial onset. Last evaluated: 2021-07-14. Review status: criteria provided, single submitter. Criteria: ACMG Guidelines, 2015. Collection method: clinical testing. Allele origin: germline. Affected: no.

Fulgent Genetics
Classification: Uncertain significance for Autosomal recessive limb-girdle muscular dystrophy type 2B; Miyoshi muscular dystrophy 1; Distal myopathy with anterior tibial onset. Last evaluated: 2018-10-31. Review status: criteria provided, single submitter. Criteria: ACMG Guidelines, 2015. Collection method: clinical testing. Allele origin: unknown.

CeGaT Center for Human Genetics Tuebingen
Classification: Uncertain significance. Last evaluated: 2018-05-01. Review status: criteria provided, single submitter. Criteria: CeGaT Center For Human Genetics Tuebingen Variant Classification Criteria Version 2. Collection method: clinical testing. Allele origin: germline. Affected: yes. Observed: 1 variant allele.

GeneDx
Classification: Uncertain significance. Last evaluated: 2017-10-25. Review status: criteria provided, single submitter. Criteria: GeneDx Variant Classification (06012015). Collection method: clinical testing. Allele origin: germline. Affected: yes.
Comment: A variant of uncertain significance has been identified in the DYSF gene. The P1214L variant has not been published as a pathogenic variant, nor has it been reported as a benign variant to our knowledge. The P1214L variant is observed in 31/30780 (0.1%) alleles from individuals of South Asian background (Lek et al., 2016). The P1214L variant is a semi-conservative amino acid substitution, which may impact secondary protein structure as these residues differ in some properties. This substitution occurs at a position that is conserved in mammals; and in silico analysis predicts this variant is probably damaging to the protein structure/function. Based on the currently available information, it is unclear whether this variant is a pathogenic variant or a rare benign variant.

Eurofins Ntd Llc (ga)
Classification: Uncertain significance. Last evaluated: 2017-05-05. Review status: criteria provided, single submitter. Criteria: EGL Classification Definitions 2015. Collection method: clinical testing. Allele origin: germline. Observed: 1 variant allele, 1 heterozygote.

Natera, Inc.
Classification: Uncertain significance for Limb-girdle muscular dystrophy type 2B. Last evaluated: 2019-11-11. Review status: no assertion criteria provided. Collection method: clinical testing. Allele origin: germline. Not counted in ClinVar's aggregate classification.

NM_001130987.2(DYSF):c.3695C>T (p.Pro1232Leu)

Gene: DYSF (dysferlin; plus strand). Cytogenetic location: 2p13.2.
Variant type: single nucleotide variant.
Coding change: c.3695C>T on transcript NM_001130987.2 (MANE Select); coding-DNA position 3695, C replaced by T.
Protein change: p.Pro1232Leu; replaces proline 1232 with leucine.
Molecular consequence: missense variant.
Genome position (GRCh38, 1-based): chr2:71,598,684, C>T. VCF-style: chr2-71598684-C-T. GRCh37 (hg19) VCF-style: chr2-71825814-C-T.
Other names: c.3644C>T, p.Pro1215Leu (NM_001130455.2, NM_001130983.2); c.3599C>T, p.Pro1200Leu (NM_001130976.2, NM_001130977.2); c.3641C>T, p.Pro1214Leu (NM_001130978.2, NM_003494.4); c.3734C>T, p.Pro1245Leu (NM_001130979.2); c.3692C>T, p.Pro1231Leu (NM_001130980.2, NM_001130981.2); c.3737C>T, p.Pro1246Leu (NM_001130982.2); c.3602C>T, p.Pro1201Leu (NM_001130984.2, NM_001130986.2); c.3695C>T, p.Pro1232Leu (NM_001130985.2); short protein forms P1214L, P1232L, P1215L, P1245L, P1201L, P1200L, P1231L, P1246L.
Identifiers: ClinVar variation 452908 (VCV000452908.62), dbSNP rs150942486, ClinGen allele CA1706667.